The following is an entry in ClinVar:

ClinVar aggregate classification (germline): Uncertain significance (1 of 4 stars; one submission).

Conditions:
Joubert syndrome 22 (JBTS22). Identifiers: Orphanet 2754, MedGen C3810278, MONDO:0014297, OMIM 615665.

Allele frequency attached by ClinVar (database versions not stated): gnomAD exomes 0.00001.
gnomAD v4.1: 9 of 1,612,424 alleles (0.00056%); highest among the groups gnomAD compares: Non-Finnish European, 0.00068%; no homozygotes.

Submission:

Labcorp Genetics (formerly Invitae), Labcorp
Classification: Uncertain significance for Joubert syndrome 22. Last evaluated: 2022-07-04. Review status: criteria provided, single submitter. Criteria: Invitae Variant Classification Sherloc (09022015). Collection method: clinical testing. Allele origin: germline.
Comment: This sequence change replaces asparagine, which is neutral and polar, with aspartic acid, which is acidic and polar, at codon 100 of the PDE6D protein (p.Asn100Asp). This variant is not present in population databases (gnomAD no frequency). This variant has not been reported in the literature in individuals affected with PDE6D-related conditions. Algorithms developed to predict the effect of missense changes on protein structure and function (SIFT, PolyPhen-2, Align-GVGD) all suggest that this variant is likely to be tolerated. In summary, the available evidence is currently insufficient to determine the role of this variant in disease. Therefore, it has been classified as a Variant of Uncertain Significance.

NM_002601.4(PDE6D):c.298A>G (p.Asn100Asp)

Gene: PDE6D (phosphodiesterase 6D; minus strand). Cytogenetic location: 2q37.1.
Variant type: single nucleotide variant.
Coding change: c.298A>G on transcript NM_002601.4 (MANE Select); coding-DNA position 298, A replaced by G.
Protein change: p.Asn100Asp; replaces asparagine 100 with aspartic acid.
Molecular consequence: missense variant. On other transcripts: intron variant (1).
Genome position (GRCh38, 1-based): chr2:231,737,260, T>C on the plus strand (A>G on the coding strand, the complement: PDE6D is on the minus strand). VCF-style: chr2-231737260-T-C. GRCh37 (hg19) VCF-style: chr2-232601970-T-C.
Other names: c.265+753A>G (NM_001291018.2); short protein forms N100D.
Identifiers: ClinVar variation 2026306 (VCV002026306.1), dbSNP rs2469686981, ClinGen allele CA350974228.